The following is an entry in ClinVar:

ClinVar aggregate classification (germline): Pathogenic (1 of 4 stars; one submission).

Conditions:
Dentinogenesis imperfecta type 2 (DGI1). Also called: CAPDEPONT TEETH; OPALESCENT DENTIN; OPALESCENT TEETH WITHOUT OSTEOGENESIS IMPERFECTA; Dentinogenesis imperfecta without osteogenesis imperfecta; Hereditary Opalescent Dentin; Dentinogenesis imperfecta - Shield's type II. Identifiers: Orphanet 166260, MedGen C2973527, MONDO:0007441, OMIM 125490. Disease mechanism: loss of function.

Submission:

Reference Center For Rare Oral And Dental Diseases, CRMR O-Rares, Hôpitaux Universitaires De Strasbourg
Classification: Pathogenic for Dentinogenesis imperfecta type 2. Last evaluated: 2025-09-03. Review status: criteria provided, single submitter. Criteria: ACMG Guidelines, 2015. Collection method: clinical testing. Allele origin: inherited. Inheritance: Autosomal dominant inheritance. Affected: yes. Observed: 7 variant alleles.
Comment: PVS1, PM2, PP1, PP4 (5)

NM_014208.3(DSPP):c.1814del (p.Ser605fs)

Genes: DMP1-AS1 (DMP1 and DSPP antisense RNA 1; minus strand), DSPP (dentin sialophosphoprotein; plus strand). Cytogenetic location: 4q22.1.
Variant type: Deletion.
Coding change: c.1814del on transcript NM_014208.3 (MANE Select); coding-DNA position 1814, one base deleted (G; older notation c.1814delG).
Protein change: p.Ser605fs; shifts the reading frame from serine 605.
Molecular consequence: frameshift variant.
Genome position (GRCh38, 1-based): chr4:87,614,476, G deleted. VCF-style (leftmost placement, unchanged base first): chr4-87614475-AG-A. GRCh37 (hg19) VCF-style: chr4-88535627-AG-A.
Other names: short protein forms S605fs.
Identifiers: ClinVar variation 4082227 (VCV004082227.1).